The following is an entry in ClinVar:

NM_182977.3(NNT):c.2078G>A (p.Arg693His)

Gene: NNT (nicotinamide nucleotide transhydrogenase; plus strand). Cytogenetic location: 5p12.
Variant type: single nucleotide variant.
Coding change: c.2078G>A on transcript NM_182977.3 (MANE Select); coding-DNA position 2078, G replaced by A.
Protein change: p.Arg693His; replaces arginine 693 with histidine.
Molecular consequence: missense variant.
Genome position (GRCh38, 1-based): chr5:43,655,858, G>A. VCF-style: chr5-43655858-G-A. GRCh37 (hg19) VCF-style: chr5-43655960-G-A.
Other names: c.1685G>A, p.Arg562His (NM_001331026.2); c.2078G>A, p.Arg693His (NM_012343.4); short protein forms R562H, R693H.
Identifiers: ClinVar variation 1371929 (VCV001371929.5), dbSNP rs139987446, ClinGen allele CA3258165.
Genomic context (GRCh38, chr5:43,655,858, plus strand): 5'-AAGTTTGTCAAGTTTTAATTTATTTTTGACCTTTCATAACAGGATTGACAATTGCCAAAC[G>A]CATCCAGATTTCTGATTTACCTCAATTAGTTGCTGCTTTTCACAGTTTAGTGGGTTTGGC-3'
Protein context (NP_892022.2, residues 683-703): GGTIGLTIAK[Arg693His]IQISDLPQLV

ClinVar aggregate classification (germline): Uncertain significance (1 of 4 stars; one submission).

Allele frequency attached by ClinVar (database versions not stated): gnomAD exomes 0.00014 and 0.00015; ESP Exome Variant Server 0.00015; ExAC 0.00018; TOPMed 0.00021; gnomAD 0.00023 and 0.00024.
gnomAD v4.1: 230 of 1,613,858 alleles (0.014%); highest among the groups gnomAD compares: Non-Finnish European, 0.017%; no homozygotes.

Submission:

Labcorp Genetics (formerly Invitae), Labcorp
Classification: Uncertain significance. Last evaluated: 2025-01-15. Review status: criteria provided, single submitter. Criteria: Invitae Variant Classification Sherloc (09022015). Collection method: clinical testing. Allele origin: germline.
Comment: This sequence change replaces arginine, which is basic and polar, with histidine, which is basic and polar, at codon 693 of the NNT protein (p.Arg693His). This variant is present in population databases (rs139987446, gnomAD 0.03%). This missense change has been observed in individual(s) with clinical features of congenital hypothyroidism (PMID: 34545694). ClinVar contains an entry for this variant (Variation ID: 1371929). An algorithm developed to predict the effect of missense changes on protein structure and function (PolyPhen-2) suggests that this variant is likely to be disruptive. Experimental studies have shown that this missense change affects NNT function (PMID: 34545694). In summary, the available evidence is currently insufficient to determine the role of this variant in disease. Therefore, it has been classified as a Variant of Uncertain Significance.

Literature cited by the submitters: PubMed 34545694.